The following is an entry in ClinVar:

ClinVar aggregate classification (germline): Uncertain significance (1 of 4 stars; one submission).

Conditions:
Congenital afibrinogenemia. Identifiers: Orphanet 335, Orphanet 98880, MedGen C2584774, MONDO:0008737, OMIM 202400.

Allele frequency attached by ClinVar (database versions not stated): gnomAD exomes below 0.00001.

Submission:

Neuberg Centre For Genomic Medicine, NCGM
Classification: Uncertain significance for Congenital afibrinogenemia. Review status: criteria provided, single submitter. Criteria: ACMG Guidelines, 2015. Collection method: clinical testing. Allele origin: germline. Inheritance: Autosomal dominant inheritance. Affected: yes.
Comment: The splice site variant c.1299+1G>T in FGG gene has not been reported previously as a pathogenic variant nor as a benign variant, to our knowledge. This variant is novel (not in any individuals) in gnomAD Exomes and is novel (not in any individuals) in 1000 Genomes. Loss of function variants have been previously reported to be disease causing. However since this variant is present in the last exon functional studies will be required. For these reasons, this variant has been classified as Uncertain Significance (VUS).

NM_021870.3(FGG):c.1300G>T (p.Val434Phe)

Gene: FGG (fibrinogen gamma chain; minus strand). Cytogenetic location: 4q32.1.
Variant type: single nucleotide variant.
Coding change: c.1300G>T on transcript NM_021870.3 (MANE Select); coding-DNA position 1300, G replaced by T.
Protein change: p.Val434Phe; replaces valine 434 with phenylalanine.
Molecular consequence: missense variant. On other transcripts: splice donor variant (1).
Genome position (GRCh38, 1-based): chr4:154,604,896, C>A on the plus strand (G>T on the coding strand, the complement: FGG is on the minus strand). VCF-style: chr4-154604896-C-A. GRCh37 (hg19) VCF-style: chr4-155526048-C-A.
Other names: c.1299+1G>T (NM_000509.6); short protein forms V434F.
Identifiers: ClinVar variation 2585577 (VCV002585577.1), dbSNP rs2530852623, ClinGen allele CA358535128.